The following is an entry in ClinVar:

NM_012062.5(DNM1L):c.1750C>G (p.Pro584Ala)

Gene: DNM1L (dynamin 1 like; plus strand). Cytogenetic location: 12p11.21.
Variant type: single nucleotide variant.
Coding change: c.1750C>G on transcript NM_012062.5 (MANE Select); coding-DNA position 1750, C replaced by G.
Protein change: p.Pro584Ala; replaces proline 584 with alanine.
Molecular consequence: missense variant.
Genome position (GRCh38, 1-based): chr12:32,740,106, C>G. VCF-style: chr12-32740106-C-G. GRCh37 (hg19) VCF-style: chr12-32893040-C-G.
Other names: c.1717C>G, p.Pro573Ala (NM_001278463.2); c.1789C>G, p.Pro597Ala (NM_001278464.2); c.1756C>G, p.Pro586Ala (NM_001278465.2); c.1141C>G, p.Pro381Ala (NM_001278466.2); c.1678C>G, p.Pro560Ala (NM_001330380.2); c.1639C>G, p.Pro547Ala (NM_005690.5); c.1672C>G, p.Pro558Ala (NM_012063.4); short protein forms P584A, P573A, P381A, P558A, P597A, P547A, P560A, P586A.
Identifiers: ClinVar variation 432970 (VCV000432970.7), dbSNP rs745309773, ClinGen allele CA6507693.

ClinVar aggregate classification (germline): Uncertain significance. Review status: criteria provided, multiple submitters, no conflicts (2 of 4 stars). 4 submissions from 4 submitters: Uncertain significance (3). 1 of the submissions does not count toward it. Last evaluated 2024-10-21.

Conditions:
Inborn genetic diseases. Identifiers: MedGen C0950123, MeSH D030342.
Retinal dystrophy. Also called: Inherited retinal dystrophy. Identifiers: Orphanet 71862, MedGen C0854723, MeSH D058499, MONDO:0019118, HP:0000556.

Allele frequency attached by ClinVar (database versions not stated): TOPMed below 0.00001; gnomAD 0.00001; gnomAD exomes 0.00001; ExAC 0.00002.
gnomAD v4.1: 13 of 1,613,990 alleles (0.00081%); highest among the groups gnomAD compares: Admixed American, 0.0017%; no homozygotes.

Submissions (4):

Labcorp Genetics (formerly Invitae), Labcorp
Classification: Uncertain significance. Last evaluated: 2024-10-21. Review status: criteria provided, single submitter. Criteria: Invitae Variant Classification Sherloc (09022015). Collection method: clinical testing. Allele origin: germline.
Comment: This sequence change replaces proline, which is neutral and non-polar, with alanine, which is neutral and non-polar, at codon 584 of the DNM1L protein (p.Pro584Ala). This variant is present in population databases (rs745309773, gnomAD 0.003%). This variant has not been reported in the literature in individuals affected with DNM1L-related conditions. ClinVar contains an entry for this variant (Variation ID: 432970). An algorithm developed to predict the effect of missense changes on protein structure and function (PolyPhen-2) suggests that this variant is likely to be tolerated. In summary, the available evidence is currently insufficient to determine the role of this variant in disease. Therefore, it has been classified as a Variant of Uncertain Significance.

Ambry Genetics
Classification: Uncertain significance for Inborn genetic diseases. Last evaluated: 2022-11-18. Review status: criteria provided, single submitter. Criteria: Ambry Variant Classification Scheme 2023. Collection method: clinical testing. Allele origin: germline.

GeneDx
Classification: Uncertain significance. Last evaluated: 2017-06-30. Review status: criteria provided, single submitter. Criteria: GeneDx Variant Classification (06012015). Collection method: clinical testing. Allele origin: germline. Affected: yes.
Comment: The P584A variant has not been published as a pathogenic variant, nor has it been reported as a benign variant to our knowledge. The P584A variant is observed in 2/66728 (0.003%) alleles from individuals of European background, in large population cohorts (Lek et al., 2016; 1000 Genomes Consortium et al., 2015; Exome Variant Server). The P584A variant is a semi-conservative amino acid substitution, which may impact secondary protein structure as these residues differ in some properties. This substitution occurs at a position that is conserved in mammals. In silico analysis is inconsistent in its predictions as to whether or not the variant is damaging to the protein structure/function. In summary, based on the currently available information, it is unclear whether this variant is a pathogenic variant or a rare benign variant.

Institute of Human Genetics, Univ. Regensburg, Univ. Regensburg
Classification: Uncertain significance for Retinal dystrophy. Last evaluated: 2022-01-01. Review status: no assertion criteria provided. Criteria: ACMG Guidelines, 2015. Collection method: clinical testing. Allele origin: germline. Affected: yes. Not counted in ClinVar's aggregate classification.